The following is an entry in ClinVar:

ClinVar aggregate classification (germline): Likely benign (1 of 4 stars; one submission).

Conditions:
POLG-related disorder. Also called: POLG-related condition; POLG-Related Disorders; POLG-Related Spectrum Disorders. Identifiers: MedGen C4763519.

gnomAD v4.1: 22 of 1,607,432 alleles (0.0014%); highest among the groups gnomAD compares: Admixed American, 0.0067%; no homozygotes.

Submission:

PreventionGenetics, part of Exact Sciences
Classification: Likely benign for POLG-related condition. Last evaluated: 2024-10-26. Review status: criteria provided, single submitter. Criteria: ACMG Guidelines, 2015. Collection method: clinical testing. Allele origin: germline.
Comment: This variant is classified as likely benign based on ACMG/AMP sequence variant interpretation guidelines (Richards et al. 2015 PMID: 25741868, with internal and published modifications).

NM_002693.3(POLG):c.*7C>T

Genes: FANCI (FA complementation group I; plus strand), POLG (DNA polymerase gamma, catalytic subunit; minus strand). Cytogenetic location: 15q26.1.
Variant type: single nucleotide variant.
Coding change: c.*7C>T on transcript NM_002693.3 (MANE Select); 7 bases downstream of the stop codon, C replaced by T.
Molecular consequence: 3 prime UTR variant.
Genome position (GRCh38, 1-based): chr15:89,316,744, G>A on the plus strand (C>T on the coding strand, the complement: POLG is on the minus strand). VCF-style: chr15-89316744-G-A. GRCh37 (hg19) VCF-style: chr15-89859975-G-A.
Other names: c.*7C>T (NM_001126131.2); c.*285G>A (NM_001113378.2, NM_001376910.1, NM_001376911.1 and 1 more transcripts).
Identifiers: ClinVar variation 4979047 (VCV004979047.1).